The following is an entry in ClinVar:

ClinVar aggregate classification (germline): Uncertain significance (1 of 4 stars; one submission).

Submission:

GeneDx
Classification: Uncertain significance. Last evaluated: 2024-04-20. Review status: criteria provided, single submitter. Criteria: GeneDx Variant Classification Process June 2021. Collection method: clinical testing. Allele origin: germline. Affected: yes.
Comment: Not observed at significant frequency in large population cohorts (gnomAD); In silico analysis supports that this missense variant has a deleterious effect on protein structure/function; Has not been previously published as pathogenic or benign to our knowledge

NM_001367721.1(CASK):c.2128G>A (p.Asp710Asn)

Gene: CASK (calcium/calmodulin dependent serine protein kinase; minus strand). Cytogenetic location: Xp11.4.
Variant type: single nucleotide variant.
Coding change: c.2128G>A on transcript NM_001367721.1 (MANE Select); coding-DNA position 2128, G replaced by A.
Protein change: p.Asp710Asn; replaces aspartic acid 710 with asparagine.
Molecular consequence: missense variant.
Genome position (GRCh38, 1-based): chrX:41,542,718, C>T on the plus strand (G>A on the coding strand, the complement: CASK is on the minus strand). VCF-style: chrX-41542718-C-T. GRCh37 (hg19) VCF-style: chrX-41401971-C-T.
Other names: c.2059G>A, p.Asp687Asn (NM_001126054.3); c.2041G>A, p.Asp681Asn (NM_001126055.3); c.2110G>A, p.Asp704Asn (NM_001410745.1); c.2128G>A, p.Asp710Asn (NM_003688.4); short protein forms D681N, D687N, D704N, D710N.
Identifiers: ClinVar variation 3372712 (VCV003372712.1).